The following is an entry in ClinVar:

NM_004304.5(ALK):c.1030C>A (p.His344Asn)

Gene: ALK (ALK receptor tyrosine kinase; minus strand). Cytogenetic location: 2p23.2.
Variant type: single nucleotide variant.
Coding change: c.1030C>A on transcript NM_004304.5 (MANE Select); coding-DNA position 1030, C replaced by A.
Protein change: p.His344Asn; replaces histidine 344 with asparagine.
Molecular consequence: missense variant.
Genome position (GRCh38, 1-based): chr2:29,532,039, G>T on the plus strand (C>A on the coding strand, the complement: ALK is on the minus strand). VCF-style: chr2-29532039-G-T. GRCh37 (hg19) VCF-style: chr2-29754905-G-T.
Other names: c.1030C>A (NM_004304.4); short protein forms H344N.
Identifiers: ClinVar variation 2140791 (VCV002140791.5), dbSNP rs1286011012, ClinGen allele CA346587418.

ClinVar aggregate classification (germline): Conflicting classifications of pathogenicity. Review status: criteria provided, conflicting classifications (1 of 4 stars). 2 submissions from 2 submitters: Uncertain significance (1); Likely benign (1). Last evaluated 2025-11-06.

Conditions:
Hereditary cancer-predisposing syndrome. Also called: Tumor predisposition; Hereditary Cancer Syndrome; Hereditary neoplastic syndrome; Neoplastic Syndromes, Hereditary. Identifiers: Orphanet 140162, MedGen C0027672, MeSH D009386, MONDO:0015356.
Neuroblastoma, susceptibility to, 3. Also called: ALK-Related Neuroblastic Tumor Susceptibility. Identifiers: Orphanet 635, MedGen C2751681, MONDO:0013083, OMIM 613014.

Allele frequency attached by ClinVar (database versions not stated): gnomAD exomes below 0.00001.
gnomAD v4.1: 2 of 1,614,140 alleles (0.00012%); highest among the groups gnomAD compares: Non-Finnish European, 0.00017%; no homozygotes.

Submissions (2):

Ambry Genetics
Classification: Likely benign for Hereditary cancer-predisposing syndrome. Last evaluated: 2025-11-06. Review status: criteria provided, single submitter. Criteria: Ambry Variant Classification Scheme 2023. Collection method: clinical testing. Allele origin: germline.

Labcorp Genetics (formerly Invitae), Labcorp
Classification: Uncertain significance for Neuroblastoma, susceptibility to, 3. Last evaluated: 2025-04-09. Review status: criteria provided, single submitter. Criteria: Invitae Variant Classification Sherloc (09022015). Collection method: clinical testing. Allele origin: germline.
Comment: This sequence change replaces histidine, which is basic and polar, with asparagine, which is neutral and polar, at codon 344 of the ALK protein (p.His344Asn). This variant is present in population databases (no rsID available, gnomAD 0.0009%). This variant has not been reported in the literature in individuals affected with ALK-related conditions. ClinVar contains an entry for this variant (Variation ID: 2140791). An algorithm developed to predict the effect of missense changes on protein structure and function (PolyPhen-2) suggests that this variant is likely to be tolerated. In summary, the available evidence is currently insufficient to determine the role of this variant in disease. Therefore, it has been classified as a Variant of Uncertain Significance.